The following is an entry in ClinVar:

ClinVar aggregate classification (germline): Uncertain significance (1 of 4 stars; one submission).

Conditions:
Early-infantile DEE. Also called: Early infantile epileptic encephalopathy; Ohtahara syndrome; Early infantile epileptic encephalopathy with suppression bursts. Identifiers: Orphanet 1934, MedGen C0393706, MONDO:0800491.

gnomAD v4.1: 2 of 1,611,060 alleles (0.00012%); highest among the groups gnomAD compares: African/African-American, 0.0027%; no homozygotes.

Submission:

Labcorp Genetics (formerly Invitae), Labcorp
Classification: Uncertain significance for Early-infantile DEE. Last evaluated: 2024-02-02. Review status: criteria provided, single submitter. Criteria: Invitae Variant Classification Sherloc (09022015). Collection method: clinical testing. Allele origin: germline.
Comment: This sequence change replaces alanine, which is neutral and non-polar, with serine, which is neutral and polar, at codon 724 of the HCN1 protein (p.Ala724Ser). This variant is present in population databases (no rsID available, gnomAD 0.01%). This variant has not been reported in the literature in individuals affected with HCN1-related conditions. ClinVar contains an entry for this variant (Variation ID: 947821). Advanced modeling of protein sequence and biophysical properties (such as structural, functional, and spatial information, amino acid conservation, physicochemical variation, residue mobility, and thermodynamic stability) performed at Invitae indicates that this missense variant is not expected to disrupt HCN1 protein function with a negative predictive value of 80%. In summary, the available evidence is currently insufficient to determine the role of this variant in disease. Therefore, it has been classified as a Variant of Uncertain Significance.

NM_021072.4(HCN1):c.2170G>T (p.Ala724Ser)

Gene: HCN1 (hyperpolarization activated cyclic nucleotide gated potassium channel 1; minus strand). Cytogenetic location: 5p12.
Variant type: single nucleotide variant.
Coding change: c.2170G>T on transcript NM_021072.4 (MANE Select); coding-DNA position 2170, G replaced by T.
Protein change: p.Ala724Ser; replaces alanine 724 with serine.
Molecular consequence: missense variant.
Genome position (GRCh38, 1-based): chr5:45,262,424, C>A on the plus strand (G>T on the coding strand, the complement: HCN1 is on the minus strand). VCF-style: chr5-45262424-C-A. GRCh37 (hg19) VCF-style: chr5-45262526-C-A.
Other names: short protein forms A724S.
Identifiers: ClinVar variation 947821 (VCV000947821.10), dbSNP rs141383188, ClinGen allele CA359703910.